The following is an entry in ClinVar:

ClinVar aggregate classification (germline): Uncertain significance (1 of 4 stars; one submission).

Submission:

Labcorp Genetics (formerly Invitae), Labcorp
Classification: Uncertain significance. Last evaluated: 2022-03-25. Review status: criteria provided, single submitter. Criteria: Invitae Variant Classification Sherloc (09022015). Collection method: clinical testing. Allele origin: germline.
Comment: In summary, the available evidence is currently insufficient to determine the role of this variant in disease. Therefore, it has been classified as a Variant of Uncertain Significance. Algorithms developed to predict the effect of missense changes on protein structure and function are either unavailable or do not agree on the potential impact of this missense change (SIFT: "Tolerated"; PolyPhen-2: "Probably Damaging"; Align-GVGD: "Class C0"). This variant has not been reported in the literature in individuals affected with MCM3AP-related conditions. This variant is not present in population databases (gnomAD no frequency). This sequence change replaces glycine, which is neutral and non-polar, with alanine, which is neutral and non-polar, at codon 1642 of the MCM3AP protein (p.Gly1642Ala).

NM_003906.5(MCM3AP):c.4925G>C (p.Gly1642Ala)

Genes: MCM3AP (minichromosome maintenance complex component 3 associated protein; minus strand), MCM3AP-AS1 (MCM3AP antisense RNA 1; plus strand). Cytogenetic location: 21q22.3.
Variant type: single nucleotide variant.
Coding change: c.4925G>C on transcript NM_003906.5 (MANE Select); coding-DNA position 4925, G replaced by C.
Protein change: p.Gly1642Ala; replaces glycine 1642 with alanine.
Molecular consequence: missense variant.
Genome position (GRCh38, 1-based): chr21:46,244,920, C>G on the plus strand (G>C on the coding strand, the complement: MCM3AP is on the minus strand). VCF-style: chr21-46244920-C-G. GRCh37 (hg19) VCF-style: chr21-47664834-C-G.
Other names: short protein forms G1642A.
Identifiers: ClinVar variation 2116712 (VCV002116712.4), dbSNP rs1376018361, ClinGen allele CA410543058.